The following is an entry in ClinVar:

ClinVar aggregate classification (germline): Likely benign (1 of 4 stars; one submission).

Submission:

CeGaT Center for Human Genetics Tuebingen
Classification: Likely benign. Last evaluated: 2024-11-01. Review status: criteria provided, single submitter. Criteria: CeGaT Center For Human Genetics Tuebingen Variant Classification Criteria Version 2. Collection method: clinical testing. Allele origin: germline. Affected: yes. Observed: 1 variant allele.
Comment: PLP1: PM2:Supporting, BP4, BP7

NM_000533.5(PLP1):c.10T>C (p.Leu4=)

Genes: PLP1 (proteolipid protein 1; plus strand), RAB9B (RAB9B, member RAS oncogene family; minus strand). Cytogenetic location: Xq22.2.
Variant type: single nucleotide variant.
Coding change: c.10T>C on transcript NM_000533.5 (MANE Select); coding-DNA position 10, T replaced by C.
Protein change: p.Leu4=; no amino-acid change (leucine 4 retained).
Molecular consequence: synonymous variant. On other transcripts: intron variant (1).
Genome position (GRCh38, 1-based): chrX:103,785,587, T>C. VCF-style: chrX-103785587-T-C. GRCh37 (hg19) VCF-style: chrX-103040516-T-C.
Other names: c.10T>C, p.Leu4= (NM_001128834.3, NM_199478.3); c.5-160T>C (NM_001305004.1).
Identifiers: ClinVar variation 3390101 (VCV003390101.14).
Genomic context (GRCh38, chrX:103,785,587, plus strand): 5'-GTGGCATGAGCTACCTACTGGATGTGCCTGACTGTTTCCCCTTCTTCTTCCCCAGGCTTG[T>C]TAGAGTGCTGTGCAAGATGTCTGGTAGGGGCCCCCTTTGCTTCCCTGGTGGCCACTGGAT-3'
Protein context (NP_000524.3, residues 1-14): MGL[Leu4=]ECCARCLVGA